The following is an entry in ClinVar:

NM_006757.4(TNNT3):c.480+10G>T

Gene: TNNT3 (troponin T3, fast skeletal type; plus strand). Cytogenetic location: 11p15.5.
Variant type: single nucleotide variant.
Coding change: c.480+10G>T on transcript NM_006757.4 (MANE Select); 10 bases into the intron after coding-DNA position 480, G replaced by T.
Molecular consequence: intron variant.
Genome position (GRCh38, 1-based): chr11:1,934,455, G>T. VCF-style: chr11-1934455-G-T. GRCh37 (hg19) VCF-style: chr11-1955685-G-T.
Other names: c.456+10G>T (NM_001297646.2, NM_001042780.3, NM_001042782.3 and 2 more transcripts); c.513+10G>T (NM_001367846.1); c.489+10G>T (NM_001363561.2, NM_001367847.1); c.474+10G>T (NM_001042781.3, NM_001367843.1, NM_001367842.1); c.477+10G>T (NM_001367848.1); c.423+10G>T (NM_001367850.1); c.276+10G>T (NM_001367851.1, NM_001367852.1); c.468+10G>T (NM_001367849.1).
Identifiers: ClinVar variation 303974 (VCV000303974.18), dbSNP rs188255267, ClinGen allele CA5816488.

ClinVar aggregate classification (germline): Benign/Likely benign. Review status: criteria provided, multiple submitters, no conflicts (2 of 4 stars). 4 submissions from 4 submitters: Benign (3); Likely benign (1). Last evaluated 2026-02-01.

Conditions:
Distal arthrogryposis type 2B1 (DA2B1). Also called: Arthrogryposis multiplex congenita distal type II with craniofacial abnormalities. Identifiers: Orphanet 1147, MedGen C5193014, MONDO:0020820, OMIM 601680.

Allele frequency attached by ClinVar (database versions not stated): ESP Exome Variant Server 0.00038; gnomAD 0.00143; 1000 Genomes Project 0.00519; 1000 Genomes Project 30x 0.00593; TOPMed 0.00638.
gnomAD v4.1: 2,920 of 1,612,268 alleles (0.18%); highest among the groups gnomAD compares: Admixed American, 4.5%; 87 homozygotes.

Submissions (4):

Labcorp Genetics (formerly Invitae), Labcorp
Classification: Benign. Last evaluated: 2026-02-01. Review status: criteria provided, single submitter. Criteria: Invitae Variant Classification Sherloc (09022015). Collection method: clinical testing. Allele origin: germline.

GeneDx
Classification: Benign. Last evaluated: 2019-11-02. Review status: criteria provided, single submitter. Criteria: GeneDx Variant Classification Process June 2021. Collection method: clinical testing. Allele origin: germline. Affected: yes.

Illumina Laboratory Services, Illumina
Classification: Benign for Distal arthrogryposis type 2B1. Last evaluated: 2018-01-12. Review status: criteria provided, single submitter. Criteria: ICSL Variant Classification Criteria 13 December 2019. Collection method: clinical testing. Allele origin: germline.
Comment: This variant was observed in the ICSL laboratory as part of a predisposition screen in an ostensibly healthy population. It had not been previously curated by ICSL or reported in the Human Gene Mutation Database (HGMD: prior to June 1st, 2018), and was therefore a candidate for classification through an automated scoring system. Utilizing variant allele frequency, disease prevalence and penetrance estimates, and inheritance mode, an automated score was calculated to assess if this variant is too frequent to cause the disease. Based on the score and internal cut-off values, a variant classified as benign is not then subjected to further curation. The score for this variant resulted in a classification of benign for this disease.

Breakthrough Genomics
Classification: Likely benign. Review status: criteria provided, single submitter. Criteria: ACMG Guidelines, 2015. Collection method: not provided. Allele origin: germline. Inheritance: Autosomal dominant inheritance. Affected: yes.